The following is an entry in ClinVar:

ClinVar aggregate classification (germline): Conflicting classifications of pathogenicity. Review status: criteria provided, conflicting classifications (1 of 4 stars). 3 submissions from 3 submitters: Uncertain significance (2); Likely benign (1). Last evaluated 2024-07-12.

Conditions:
3-methylglutaconic aciduria with deafness, encephalopathy, and Leigh-like syndrome (MEGDEL). Also called: SERAC1 Deficiency; 3-METHYLGLUTACONIC ACIDURIA, TYPE VI; MEGDEL syndrome. Identifiers: Orphanet 352328, MedGen C4040739, MONDO:0013875, OMIM 614739.

Allele frequency attached by ClinVar (database versions not stated): TOPMed 0.00005; ESP Exome Variant Server 0.00008.
gnomAD v4.1: 127 of 1,614,062 alleles (0.0079%); highest among the groups gnomAD compares: Non-Finnish European, 0.0096%; no homozygotes.

Submissions (3):

Blueprint Genetics
Classification: Likely benign. Last evaluated: 2024-07-12. Review status: criteria provided, single submitter. Criteria: ACMG Guidelines, 2015. Collection method: clinical testing. Allele origin: germline.

Labcorp Genetics (formerly Invitae), Labcorp
Classification: Uncertain significance for 3-methylglutaconic aciduria with deafness, encephalopathy, and Leigh-like syndrome. Last evaluated: 2024-02-23. Review status: criteria provided, single submitter. Criteria: Invitae Variant Classification Sherloc (09022015). Collection method: clinical testing. Allele origin: germline.
Comment: This sequence change affects codon 458 of the SERAC1 mRNA. It is a 'silent' change, meaning that it does not change the encoded amino acid sequence of the SERAC1 protein. This variant is present in population databases (rs138536589, gnomAD 0.008%). This variant has not been reported in the literature in individuals affected with SERAC1-related conditions. ClinVar contains an entry for this variant (Variation ID: 2050891). Algorithms developed to predict the effect of sequence changes on RNA splicing suggest that this variant may disrupt the consensus splice site. In summary, the available evidence is currently insufficient to determine the role of this variant in disease. Therefore, it has been classified as a Variant of Uncertain Significance.

GeneDx
Classification: Uncertain significance. Last evaluated: 2024-01-25. Review status: criteria provided, single submitter. Criteria: GeneDx Variant Classification Process June 2021. Collection method: clinical testing. Allele origin: germline. Affected: yes.
Comment: Not observed at significant frequency in large population cohorts (gnomAD); Has not been previously published as pathogenic or benign to our knowledge; In silico analysis is inconclusive as to whether the variant alters gene splicing. In the absence of RNA/functional studies, the actual effect of this sequence change is unknown.

NM_032861.4(SERAC1):c.1374C>T (p.Ser458=)

Gene: SERAC1 (serine active site containing 1; minus strand). Cytogenetic location: 6q25.3.
Variant type: single nucleotide variant.
Coding change: c.1374C>T on transcript NM_032861.4 (MANE Select); coding-DNA position 1374, C replaced by T.
Protein change: p.Ser458=; no amino-acid change (serine 458 retained).
Molecular consequence: synonymous variant.
Genome position (GRCh38, 1-based): chr6:158,117,756, G>A on the plus strand (C>T on the coding strand, the complement: SERAC1 is on the minus strand). VCF-style: chr6-158117756-G-A. GRCh37 (hg19) VCF-style: chr6-158538788-G-A.
Other names: c.1374C>T (NM_032861.3).
Identifiers: ClinVar variation 2050891 (VCV002050891.6), dbSNP rs138536589, ClinGen allele CA4071116.
Genomic context (GRCh38, chr6:158,117,756, plus strand): 5'-TGTCCTCCTGGTCTAAAGTCGCCTCTGTTACCTTTCCATAGGGCACCTTGCTCTCCAGTC[G>A]CTGAGGCTGGTGTCATACTCCACAGATATAATTCGGAGAGCAGGACAGTCTTTTGCTAAC-3'
Protein context (NP_116250.3, residues 448-468): IISVEYDTSL[Ser458=]DWRARCPMER